The following is an entry in ClinVar:

NM_001366521.1(ATP2B1):c.2108C>T (p.Thr703Ile)

Gene: ATP2B1 (ATPase plasma membrane Ca2+ transporting 1; minus strand). Cytogenetic location: 12q21.33.
Variant type: single nucleotide variant.
Coding change: c.2108C>T on transcript NM_001366521.1 (MANE Select); coding-DNA position 2108, C replaced by T.
Protein change: p.Thr703Ile; replaces threonine 703 with isoleucine.
Molecular consequence: missense variant. On other transcripts: non-coding transcript variant (3).
Genome position (GRCh38, 1-based): chr12:89,611,332, G>A on the plus strand (C>T on the coding strand, the complement: ATP2B1 is on the minus strand). VCF-style: chr12-89611332-G-A. GRCh37 (hg19) VCF-style: chr12-90005109-G-A.
Other names: c.2108C>T, p.Thr703Ile (NM_001001323.2, NM_001366520.1, NM_001366522.1 and 12 more transcripts); c.1853C>T, p.Thr618Ile (NM_001413056.1); c.1655C>T, p.Thr552Ile (NM_001413057.1); c.1547C>T, p.Thr516Ile (NM_001413058.1, NM_001413059.1, NM_001413060.1 and 2 more transcripts); c.1910C>T, p.Thr637Ile (NM_001366530.1, NM_001413053.1); c.2069C>T, p.Thr690Ile (NM_001413048.1); c.1967C>T, p.Thr656Ile (NM_001413051.1, NM_001413052.1, NM_001413055.1); c.1865C>T, p.Thr622Ile (NM_001413054.1); short protein forms T690I, T703I, T622I, T516I, T637I, T656I, T552I, T618I.
Identifiers: ClinVar variation 4088031 (VCV004088031.1).

ClinVar aggregate classification (germline): Uncertain significance (1 of 4 stars; one submission).

Submission:

GeneDx
Classification: Uncertain significance. Last evaluated: 2025-03-26. Review status: criteria provided, single submitter. Criteria: GeneDx Variant Classification Process June 2021. Collection method: clinical testing. Allele origin: germline. Affected: yes.
Comment: Not observed at significant frequency in large population cohorts (gnomAD); In silico analysis supports that this missense variant has a deleterious effect on protein structure/function; Has not been previously published as pathogenic or benign to our knowledge